The following is an entry in ClinVar:

ClinVar aggregate classification (germline): Uncertain significance (1 of 4 stars; one submission).

Submission:

Ambry Genetics
Classification: Uncertain significance. Last evaluated: 2025-09-17. Review status: criteria provided, single submitter. Criteria: Ambry Variant Classification Scheme 2023. Collection method: clinical testing. Allele origin: germline.
Comment: The p.E552K variant (also known as c.1654G>A), located in coding exon 17 of the KIF1B gene, results from a G to A substitution at nucleotide position 1654. The glutamic acid at codon 552 is replaced by lysine, an amino acid with similar properties. This amino acid position is conserved. In addition, the in silico prediction for this alteration is inconclusive. Based on the available evidence, the clinical significance of this variant remains unclear.

NM_001365951.3(KIF1B):c.1792G>A (p.Glu598Lys)

Gene: KIF1B (kinesin family member 1B; plus strand). Cytogenetic location: 1p36.22.
Variant type: single nucleotide variant.
Coding change: c.1792G>A on transcript NM_001365951.3 (MANE Select); coding-DNA position 1792, G replaced by A.
Protein change: p.Glu598Lys; replaces glutamic acid 598 with lysine.
Molecular consequence: missense variant.
Genome position (GRCh38, 1-based): chr1:10,296,596, G>A. VCF-style: chr1-10296596-G-A. GRCh37 (hg19) VCF-style: chr1-10356654-G-A.
Other names: c.1792G>A, p.Glu598Lys (NM_001365952.1); c.1654G>A, p.Glu552Lys (NM_001365953.1, NM_015074.3, NM_183416.4); short protein forms E552K, E598K.
Identifiers: ClinVar variation 4543616 (VCV004543616.1).
Genomic context (GRCh38, chr1:10,296,596, plus strand): 5'-CCAATAGTTTGTAATGATAACATTAGTTTGTGTTTGTTCCTCTTAGTTATCGTGACCTTA[G>A]AGCCCTGTGAGCGCTCAGAAACCTACGTAAATGGCAAGAGGGTGTCCCAGCCTGTTCAGC-3'
Protein context (NP_001352880.1, residues 588-608): SNSGEVIVTL[Glu598Lys]PCERSETYVN